The following is an entry in ClinVar:

NM_001903.5(CTNNA1):c.2633C>G (p.Thr878Arg)

Gene: CTNNA1 (catenin alpha 1; plus strand). Cytogenetic location: 5q31.2.
Variant type: single nucleotide variant.
Coding change: c.2633C>G on transcript NM_001903.5 (MANE Select); coding-DNA position 2633, C replaced by G.
Protein change: p.Thr878Arg; replaces threonine 878 with arginine.
Molecular consequence: missense variant. On other transcripts: 3 prime UTR variant (5).
Genome position (GRCh38, 1-based): chr5:138,934,001, C>G. VCF-style: chr5-138934001-C-G. GRCh37 (hg19) VCF-style: chr5-138269690-C-G.
Other names: c.*178C>G (NM_001290307.3, NM_001324002.1, NM_001324003.1 and 2 more transcripts); c.2324C>G, p.Thr775Arg (NM_001290309.3); c.2264C>G, p.Thr755Arg (NM_001290310.3); c.1523C>G, p.Thr508Arg (NM_001290312.1, NM_001323987.1, NM_001323998.1 and 12 more transcripts); c.2633C>G, p.Thr878Arg (NM_001323982.2, NM_001323983.1, NM_001323984.2); c.2606C>G, p.Thr869Arg (NM_001323985.2); c.2540C>G, p.Thr847Arg (NM_001323986.2); c.1388C>G, p.Thr463Arg (NM_001324001.1); and 3 more; short protein forms T427R, T508R, T869R, T878R, T477R, T755R, T775R, T395R.
Identifiers: ClinVar variation 2729747 (VCV002729747.3), dbSNP rs2150359948, ClinGen allele CA361135653.

ClinVar aggregate classification (germline): Uncertain significance (1 of 4 stars; one submission).

Submission:

Labcorp Genetics (formerly Invitae), Labcorp
Classification: Uncertain significance. Last evaluated: 2023-02-03. Review status: criteria provided, single submitter. Criteria: Invitae Variant Classification Sherloc (09022015). Collection method: clinical testing. Allele origin: germline.
Comment: This sequence change replaces threonine, which is neutral and polar, with arginine, which is basic and polar, at codon 878 of the CTNNA1 protein (p.Thr878Arg). This variant is not present in population databases (gnomAD no frequency). This variant has not been reported in the literature in individuals affected with CTNNA1-related conditions. Advanced modeling of protein sequence and biophysical properties (such as structural, functional, and spatial information, amino acid conservation, physicochemical variation, residue mobility, and thermodynamic stability) performed at Invitae indicates that this missense variant is not expected to disrupt CTNNA1 protein function. In summary, the available evidence is currently insufficient to determine the role of this variant in disease. Therefore, it has been classified as a Variant of Uncertain Significance.